The following is an entry in ClinVar:

NM_005045.4(RELN):c.2896G>T (p.Glu966Ter)

Gene: RELN (reelin; minus strand). Cytogenetic location: 7q22.1.
Variant type: single nucleotide variant.
Coding change: c.2896G>T on transcript NM_005045.4 (MANE Select); coding-DNA position 2896, G replaced by T.
Protein change: p.Glu966Ter; replaces glutamic acid 966 with a stop codon.
Molecular consequence: nonsense.
Genome position (GRCh38, 1-based): chr7:103,610,807, C>A on the plus strand (G>T on the coding strand, the complement: RELN is on the minus strand). VCF-style: chr7-103610807-C-A. GRCh37 (hg19) VCF-style: chr7-103251254-C-A.
Other names: c.2896G>T, p.Glu966Ter (NM_173054.3); short protein forms E966*.
Identifiers: ClinVar variation 2009258 (VCV002009258.4), dbSNP rs2484750954, ClinGen allele CA368766139.

ClinVar aggregate classification (germline): Pathogenic (1 of 4 stars; one submission).

Conditions:
Norman-Roberts syndrome (LIS2). Also called: Lissencephaly 2 (Norman-Roberts type). Identifiers: Orphanet 89844, MedGen C0796089, MONDO:0009760, OMIM 257320.
Familial temporal lobe epilepsy 7. Identifiers: Orphanet 101046, MedGen C4225327, MONDO:0014639, OMIM 616436.

Submission:

Labcorp Genetics (formerly Invitae), Labcorp
Classification: Pathogenic for Familial temporal lobe epilepsy 7; Norman-Roberts syndrome. Last evaluated: 2023-08-04. Review status: criteria provided, single submitter. Criteria: Invitae Variant Classification Sherloc (09022015). Collection method: clinical testing. Allele origin: germline.
Comment: For these reasons, this variant has been classified as Pathogenic. Algorithms developed to predict the effect of sequence changes on RNA splicing suggest that this variant may disrupt the consensus splice site. ClinVar contains an entry for this variant (Variation ID: 2009258). This variant has not been reported in the literature in individuals affected with RELN-related conditions. This variant is not present in population databases (gnomAD no frequency). This sequence change creates a premature translational stop signal (p.Glu966*) in the RELN gene. It is expected to result in an absent or disrupted protein product. Loss-of-function variants in RELN are known to be pathogenic (PMID: 10973257, 26046367, 28454995).

Literature cited by the submitters: PubMed 10973257; PubMed 26046367; PubMed 28454995.